The following is an entry in ClinVar:

NM_000969.5(RPL5):c.700G>T (p.Asp234Tyr)

Genes: DIPK1A (divergent protein kinase domain 1A; minus strand), RPL5 (ribosomal protein L5; plus strand). Cytogenetic location: 1p22.1.
Variant type: single nucleotide variant.
Coding change: c.700G>T on transcript NM_000969.5 (MANE Select); coding-DNA position 700, G replaced by T.
Protein change: p.Asp234Tyr; replaces aspartic acid 234 with tyrosine.
Molecular consequence: missense variant. On other transcripts: non-coding transcript variant (1), intron variant (1).
Genome position (GRCh38, 1-based): chr1:92,837,628, G>T. VCF-style: chr1-92837628-G-T. GRCh37 (hg19) VCF-style: chr1-93303185-G-T.
Other names: c.475-4594C>A (NM_001252273.2); short protein forms D234Y.
Identifiers: ClinVar variation 411921 (VCV000411921.11), dbSNP rs938367538, ClinGen allele CA16610139.

ClinVar aggregate classification (germline): Uncertain significance. Review status: criteria provided, multiple submitters, no conflicts (2 of 4 stars). 2 submissions from 2 submitters: Uncertain significance (2). Last evaluated 2024-06-14.

Conditions:
Diamond-Blackfan anemia. Also called: Blackfan Diamond syndrome; Aregenerative anemia chronic congenital; Red cell aplasia, pure hereditary; Congenital hypoplastic anemia; Aase syndrome. Identifiers: Orphanet 124, MedGen C1260899, MeSH D029503, MONDO:0015253, HP:0004810.
Diamond-Blackfan anemia 6 (DBA6). Also called: RPL5-Related Diamond-Blackfan Anemia. Identifiers: Orphanet 124, MedGen C2931850, MONDO:0012937, OMIM 612561.

Allele frequency attached by ClinVar (database versions not stated): TOPMed 0.00001.

Submissions (2):

Fulgent Genetics
Classification: Uncertain significance for Diamond-Blackfan anemia 6. Last evaluated: 2024-06-14. Review status: criteria provided, single submitter. Criteria: ACMG Guidelines, 2015. Collection method: clinical testing. Allele origin: germline.

Labcorp Genetics (formerly Invitae), Labcorp
Classification: Uncertain significance for Diamond-Blackfan anemia. Last evaluated: 2018-08-31. Review status: criteria provided, single submitter. Criteria: Invitae Variant Classification Sherloc (09022015). Collection method: clinical testing. Allele origin: germline.
Comment: This variant is not present in population databases (ExAC no frequency) and has not been reported in the literature in individuals with a RPL5-related disease. In summary, this variant is a novel missense change with uncertain impact on protein function. It has been classified as a Variant of Uncertain Significance. Algorithms developed to predict the effect of missense changes on protein structure and function do not agree on the potential impact of this missense change (SIFT: "Deleterious"; PolyPhen-2: "Probably Damaging"; Align-GVGD: "Class C0"). This sequence change replaces aspartic acid with tyrosine at codon 234 of the RPL5 protein (p.Asp234Tyr). The aspartic acid residue is highly conserved and there is a large physicochemical difference between aspartic acid and tyrosine.